The following is an entry in ClinVar:

ClinVar aggregate classification (germline): Uncertain significance (1 of 4 stars; one submission).

Allele frequency attached by ClinVar (database versions not stated): ESP Exome Variant Server 0.00015; ExAC 0.00018; gnomAD 0.00019; 1000 Genomes Project 0.00020; TOPMed 0.00025; gnomAD exomes 0.00028; 1000 Genomes Project 30x 0.00031.
gnomAD v4.1: 432 of 1,614,138 alleles (0.027%); highest among the groups gnomAD compares: Middle Eastern, 0.049%; no homozygotes.

Submission:

Labcorp Genetics (formerly Invitae), Labcorp
Classification: Uncertain significance. Last evaluated: 2021-12-19. Review status: criteria provided, single submitter. Criteria: Invitae Variant Classification Sherloc (09022015). Collection method: clinical testing. Allele origin: germline.
Comment: This sequence change replaces alanine, which is neutral and non-polar, with valine, which is neutral and non-polar, at codon 45 of the SMOC2 protein (p.Ala45Val). This variant is present in population databases (rs141002558, gnomAD 0.03%). This variant has not been reported in the literature in individuals affected with SMOC2-related conditions. Algorithms developed to predict the effect of missense changes on protein structure and function output the following: SIFT: "Tolerated"; PolyPhen-2: "Benign"; Align-GVGD: "Class C0". The valine amino acid residue is found in multiple mammalian species, which suggests that this missense change does not adversely affect protein function. In summary, the available evidence is currently insufficient to determine the role of this variant in disease. Therefore, it has been classified as a Variant of Uncertain Significance.

NM_001166412.2(SMOC2):c.134C>T (p.Ala45Val)

Gene: SMOC2 (SPARC related modular calcium binding 2; plus strand). Cytogenetic location: 6q27.
Variant type: single nucleotide variant.
Coding change: c.134C>T on transcript NM_001166412.2 (MANE Select); coding-DNA position 134, C replaced by T.
Protein change: p.Ala45Val; replaces alanine 45 with valine.
Molecular consequence: missense variant.
Genome position (GRCh38, 1-based): chr6:168,509,964, C>T. VCF-style: chr6-168509964-C-T. GRCh37 (hg19) VCF-style: chr6-168910644-C-T.
Other names: c.134C>T, p.Ala45Val (NM_022138.3); short protein forms A45V.
Identifiers: ClinVar variation 2056093 (VCV002056093.1), dbSNP rs141002558, ClinGen allele CA4101992.